The following is an entry in ClinVar:

ClinVar aggregate classification (germline): Uncertain significance (1 of 4 stars; one submission).

Allele frequency attached by ClinVar (database versions not stated): gnomAD exomes below 0.00001.

Submission:

Labcorp Genetics (formerly Invitae), Labcorp
Classification: Uncertain significance. Last evaluated: 2024-11-27. Review status: criteria provided, single submitter. Criteria: Invitae Variant Classification Sherloc (09022015). Collection method: clinical testing. Allele origin: germline.
Comment: This sequence change creates a premature translational stop signal (p.Leu116Trpfs*7) in the SIAE gene. It is expected to result in an absent or disrupted protein product. However, the current clinical and genetic evidence is not sufficient to establish whether loss-of-function variants in SIAE cause disease. This variant is not present in population databases (gnomAD no frequency). This variant has not been reported in the literature in individuals affected with SIAE-related conditions. ClinVar contains an entry for this variant (Variation ID: 1488484). Experimental studies and prediction algorithms are not available or were not evaluated, and the functional significance of this variant is currently unknown. Algorithms developed to predict the effect of sequence changes on RNA splicing suggest that this variant may disrupt the consensus splice site. In summary, the available evidence is currently insufficient to determine the role of this variant in disease. Therefore, it has been classified as a Variant of Uncertain Significance.

NM_170601.5(SIAE):c.346_350del (p.Leu116fs)

Gene: SIAE (sialic acid acetylesterase; minus strand). Cytogenetic location: 11q24.2.
Variant type: Deletion.
Coding change: c.346_350del on transcript NM_170601.5 (MANE Select); coding-DNA positions 346 to 350, 5 bases deleted (CTGTT; older notation c.346_350delCTGTT).
Protein change: p.Leu116fs; shifts the reading frame from leucine 116.
Molecular consequence: frameshift variant.
Genome position (GRCh38, 1-based): chr11:124,660,683-124,660,687, AACAG deleted on the plus strand (CTGTT on the coding strand, the reverse complement: SIAE is on the minus strand). VCF-style (leftmost placement, unchanged base first): chr11-124660682-AAACAG-A. GRCh37 (hg19) VCF-style: chr11-124530578-AAACAG-A.
Other names: c.241_245del, p.Leu81fs (NM_001199922.2); short protein forms L81fs, L116fs.
Identifiers: ClinVar variation 1488484 (VCV001488484.6), dbSNP rs2134382536, ClinGen allele CA2573147038.